The following is an entry in ClinVar:

NM_007294.4(BRCA1):c.3054_3055insTGAGA (p.Ile1019Ter)

Gene: BRCA1 (BRCA1 DNA repair associated; minus strand). Cytogenetic location: 17q21.31.
Variant type: Insertion.
Coding change: c.3054_3055insTGAGA on transcript NM_007294.4 (MANE Select); coding-DNA positions 3054 to 3055, TGAGA inserted.
Protein change: p.Ile1019Ter; replaces isoleucine 1019 with a stop codon.
Molecular consequence: nonsense. On other transcripts: intron variant (137).
Genome position: GRCh38 VCF-style: chr17-43092476-T-TTCTCA. GRCh37 (hg19) VCF-style: chr17-41244493-T-TTCTCA.
Other names: c.2841_2842insTGAGA, p.Ile948Ter (NM_001407571.1, NM_001407853.1, NM_001407894.1 and 9 more transcripts); c.3054_3055insTGAGA, p.Ile1019Ter (NM_001407581.1, NM_001407582.1, NM_001407583.1 and 30 more transcripts); c.3051_3052insTGAGA, p.Ile1018Ter (NM_001407610.1, NM_001407611.1, NM_001407612.1 and 22 more transcripts); c.3045_3046insTGAGA, p.Ile1016Ter (NM_001407646.1, NM_001407647.1); c.2931_2932insTGAGA, p.Ile978Ter (NM_001407648.1, NM_001407664.1, NM_001407665.1 and 19 more transcripts); c.2928_2929insTGAGA, p.Ile977Ter (NM_001407649.1, NM_001407670.1, NM_001407671.1 and 11 more transcripts); c.2976_2977insTGAGA, p.Ile993Ter (NM_001407653.1, NM_001407654.1, NM_001407655.1 and 4 more transcripts); c.2973_2974insTGAGA, p.Ile992Ter (NM_001407659.1, NM_001407660.1, NM_001407661.1 and 1 more transcripts); and 41 more; short protein forms I1019*, I972*, I1016*, I891*, I907*, I908*, I949*, I977*.
Identifiers: ClinVar variation 548264 (VCV000548264.2), dbSNP rs1555588469, ClinGen allele CA658823983.
Genomic context (GRCh38, chr17:43,092,476, plus strand): 5'-CTTCTTTAAAAACATTTTCTCTAATGTTATTACGGCTAATTGTGCTCACTGTACTTGGAA[T>TTCTCA]GTTCTCATTTCCCATTTCTCTTTCAGGTGACATTGAATGTTCCTCAAAGTTTTCCTCTAG-3'

ClinVar aggregate classification (germline): Pathogenic (3 of 4 stars; one submission).

Conditions:
Breast-ovarian cancer, familial, susceptibility to, 1 (BROVCA1). Also called: BRCA1 Hereditary Breast and Ovarian Cancer; OVARIAN CANCER, SUSCEPTIBILITY TO. Identifiers: Orphanet 145, MedGen C2676676, MONDO:0011450, OMIM 604370. Disease mechanism: loss of function.

Submission:

Evidence-based Network for the Interpretation of Germline Mutant Alleles (ENIGMA)
Classification: Pathogenic for Breast-ovarian cancer, familial, susceptibility to, 1. Last evaluated: 2017-12-15. Review status: reviewed by expert panel. Criteria: ENIGMA BRCA1/2 Classification Criteria (2017-06-29). Collection method: curation. Allele origin: germline. Study: ENIGMA.
Comment: Variant allele predicted to encode a truncated non-functional protein.